The following is an entry in ClinVar:

NM_004656.4(BAP1):c.306C>G (p.Asn102Lys)

Gene: BAP1 (BRCA1 associated deubiquitinase 1; minus strand). Cytogenetic location: 3p21.1.
Variant type: single nucleotide variant.
Coding change: c.306C>G on transcript NM_004656.4 (MANE Select); coding-DNA position 306, C replaced by G.
Protein change: p.Asn102Lys; replaces asparagine 102 with lysine.
Molecular consequence: missense variant.
Genome position (GRCh38, 1-based): chr3:52,408,027, G>C on the plus strand (C>G on the coding strand, the complement: BAP1 is on the minus strand). VCF-style: chr3-52408027-G-C. GRCh37 (hg19) VCF-style: chr3-52442043-G-C.
Other names: c.306C>G (NM_004656.2); short protein forms N102K.
Identifiers: ClinVar variation 1014720 (VCV001014720.6), dbSNP rs1705221702, ClinGen allele CA353112317.
Genomic context (GRCh38, chr3:52,408,027, plus strand): 5'-GAAACCCTTGGTGAAGTCCTTCATGCGACTCAGGGTGGGTCCCAGGTCCACGCTGCTGCA[G>C]TTCAGGAGCACGCTCAGCAAGGCATGAGTTGCACAAGAGTTGGGTATCAGCTGTGAAACC-3'
Protein context (NP_004647.1, residues 92-112): ATHALLSVLL[Asn102Lys]CSSVDLGPTL

ClinVar aggregate classification (germline): Conflicting classifications of pathogenicity. Review status: criteria provided, conflicting classifications (1 of 4 stars). 2 submissions from 2 submitters: Likely pathogenic (1); Uncertain significance (1). Last evaluated 2024-12-11.

Conditions:
Hereditary cancer-predisposing syndrome. Also called: Hereditary Cancer Syndrome; Tumor predisposition; Neoplastic Syndromes, Hereditary; Hereditary neoplastic syndrome. Identifiers: Orphanet 140162, MedGen C0027672, MeSH D009386, MONDO:0015356.
BAP1-related tumor predisposition syndrome (TPDS1). Also called: BAP1 tumor predisposition syndrome; Tumor susceptibility linked to germline BAP1 mutations; TUMOR PREDISPOSITION SYNDROME 1; COMMON Syndrome. Identifiers: Orphanet 289539, MedGen C3280492, MONDO:0013692, OMIM 614327.

Submissions (2):

Ambry Genetics
Classification: Likely pathogenic for Hereditary cancer-predisposing syndrome. Last evaluated: 2024-12-11. Review status: criteria provided, single submitter. Criteria: Ambry Variant Classification Scheme 2023. Collection method: clinical testing. Allele origin: germline.
Comment: The p.N102K variant (also known as c.306C>G), located in coding exon 5 of the BAP1 gene, results from a C to G substitution at nucleotide position 306. The asparagine at codon 102 is replaced by lysine, an amino acid with similar properties. This variant has been observed in at least one individual with a personal and/or family history that is consistent with BAP1-related tumor predisposition syndrome (Ambry internal data). This alteration was non-functional in a high throughput genome editing haploid cell survival assay (Waters AJ et al. Nat Genet, 2024 Jul;56:1434-1445). This amino acid position is highly conserved in available vertebrate species. In addition, the in silico prediction for this alteration is inconclusive. This variant is considered to be rare based on population cohorts in the Genome Aggregation Database (gnomAD). Based on the majority of available evidence to date, this variant is likely to be pathogenic.

Labcorp Genetics (formerly Invitae), Labcorp
Classification: Uncertain significance for BAP1-related tumor predisposition syndrome. Last evaluated: 2020-08-19. Review status: criteria provided, single submitter. Criteria: Invitae Variant Classification Sherloc (09022015). Collection method: clinical testing. Allele origin: germline.
Comment: This sequence change replaces asparagine with lysine at codon 102 of the BAP1 protein (p.Asn102Lys). The asparagine residue is highly conserved and there is a moderate physicochemical difference between asparagine and lysine. In summary, the available evidence is currently insufficient to determine the role of this variant in disease. Therefore, it has been classified as a Variant of Uncertain Significance. Algorithms developed to predict the effect of missense changes on protein structure and function (SIFT, PolyPhen-2, Align-GVGD) all suggest that this variant is likely to be disruptive, but these predictions have not been confirmed by published functional studies and their clinical significance is uncertain. This variant has not been reported in the literature in individuals with BAP1-related conditions. This variant is not present in population databases (ExAC no frequency).

Literature cited by the submitters: PubMed 38969833 (cited by Ambry Genetics).